The following is an entry in ClinVar:

NM_006950.3(SYN1):c.1133A>G (p.Lys378Arg)

Gene: SYN1 (synapsin I; minus strand). Cytogenetic location: Xp11.3.
Variant type: single nucleotide variant.
Coding change: c.1133A>G on transcript NM_006950.3 (MANE Select); coding-DNA position 1133, A replaced by G.
Protein change: p.Lys378Arg; replaces lysine 378 with arginine.
Molecular consequence: missense variant.
Genome position (GRCh38, 1-based): chrX:47,576,156, T>C on the plus strand (A>G on the coding strand, the complement: SYN1 is on the minus strand). VCF-style: chrX-47576156-T-C. GRCh37 (hg19) VCF-style: chrX-47435555-T-C.
Other names: c.1133A>G, p.Lys378Arg (NM_133499.2); short protein forms K378R.
Identifiers: ClinVar variation 1302318 (VCV001302318.2), dbSNP rs2147913139, ClinGen allele CA412826209.
Genomic context (GRCh38, chrX:47,576,156, plus strand): 5'-CTCCCTCTACCCCACCTACCCCTGGGTGCTCATACCTCAATGATGTGATCCCTTCCGTCC[T>C]TGCCATGTAGCGCTTCCACTGCGCAGATGTCCAGTCCCCCAAAAATCTCTGAGCACGTGT-3'
Protein context (NP_008881.2, residues 368-388): DICAVEALHG[Lys378Arg]DGRDHIIEVV

ClinVar aggregate classification (germline): Uncertain significance (1 of 4 stars; one submission).

Submission:

GeneDx
Classification: Uncertain significance. Last evaluated: 2019-05-31. Review status: criteria provided, single submitter. Criteria: GeneDx Variant Classification Process June 2021. Collection method: clinical testing. Allele origin: germline. Affected: yes.
Comment: Not observed in large population cohorts (Lek et al., 2016); In silico analysis, which includes protein predictors and evolutionary conservation, supports a deleterious effect; Has not been previously published as pathogenic or benign to our knowledge